The following is an entry in ClinVar:

ClinVar aggregate classification (germline): Conflicting classifications of pathogenicity. Review status: criteria provided, conflicting classifications (1 of 4 stars). 4 submissions from 4 submitters: Uncertain significance (3); Likely benign (1). Last evaluated 2024-05-29.

Conditions:
Fanconi anemia (FA). Also called: Fanconi's anemia. Identifiers: Orphanet 84, MedGen C0015625, MeSH D005199, MONDO:0019391.
Fanconi anemia complementation group P. Also called: SLX4-Related Fanconi Anemia. Identifiers: Orphanet 84, MedGen C3469542, MONDO:0013499, OMIM 613951.

Allele frequency attached by ClinVar (database versions not stated): gnomAD exomes 0.00002; TOPMed 0.00003; ExAC 0.00004; gnomAD 0.00005.
gnomAD v4.1: 54 of 1,614,038 alleles (0.0033%); highest among the groups gnomAD compares: Admixed American, 0.0083%; no homozygotes.

Submissions (4):

Fulgent Genetics
Classification: Uncertain significance for Fanconi anemia complementation group P. Last evaluated: 2024-05-29. Review status: criteria provided, single submitter. Criteria: ACMG Guidelines, 2015. Collection method: clinical testing. Allele origin: germline.

Labcorp Genetics (formerly Invitae), Labcorp
Classification: Uncertain significance for Fanconi anemia. Last evaluated: 2022-01-06. Review status: criteria provided, single submitter. Criteria: Invitae Variant Classification Sherloc (09022015). Collection method: clinical testing. Allele origin: germline.
Comment: This sequence change replaces arginine, which is basic and polar, with glutamine, which is neutral and polar, at codon 154 of the SLX4 protein (p.Arg154Gln). This variant is present in population databases (rs778404827, gnomAD 0.01%). This variant has not been reported in the literature in individuals affected with SLX4-related conditions. Algorithms developed to predict the effect of missense changes on protein structure and function output the following: SIFT: "Tolerated"; PolyPhen-2: "Benign"; Align-GVGD: "Class C0". The glutamine amino acid residue is found in multiple mammalian species, which suggests that this missense change does not adversely affect protein function. Algorithms developed to predict the effect of sequence changes on RNA splicing suggest that this variant may create or strengthen a splice site. In summary, the available evidence is currently insufficient to determine the role of this variant in disease. Therefore, it has been classified as a Variant of Uncertain Significance.

Blueprint Genetics
Classification: Likely benign. Last evaluated: 2021-12-22. Review status: criteria provided, single submitter. Criteria: ACMG Guidelines, 2015. Collection method: clinical testing. Allele origin: germline.

Sema4
Classification: Uncertain significance for Fanconi anemia. Last evaluated: 2021-08-13. Review status: criteria provided, single submitter. Criteria: Sema4 Curation Guidelines. Collection method: curation. Allele origin: germline.
Comment: The SLX4 c.461G>A (p.R154Q) variant has been reported in at least one individual with ovarian cancer (PMID: 32546565). It was observed in 1/10370 chromosomes of the Ashkenazi Jewish subpopulation in the large and broad cohorts of the Genome Aggregation Database (PMID: 32461654). The variant has not been reported in ClinVar. In silico tools suggest the impact of the variant on protein function is benign though these predictions have not been confirmed by functional studies. The evidence is insufficient to meet ACMG/AMP criteria for classifying the variant as benign or pathogenic. Thus, the clinical significance of this variant is currently uncertain.

Literature cited by the submitters: PubMed 32546565 (cited by Sema4).

NM_032444.4(SLX4):c.461G>A (p.Arg154Gln)

Gene: SLX4 (SLX4 structure-specific endonuclease subunit; minus strand). Cytogenetic location: 16p13.3.
Variant type: single nucleotide variant.
Coding change: c.461G>A on transcript NM_032444.4 (MANE Select); coding-DNA position 461, G replaced by A.
Protein change: p.Arg154Gln; replaces arginine 154 with glutamine.
Molecular consequence: missense variant.
Genome position (GRCh38, 1-based): chr16:3,608,504, C>T on the plus strand (G>A on the coding strand, the complement: SLX4 is on the minus strand). VCF-style: chr16-3608504-C-T. GRCh37 (hg19) VCF-style: chr16-3658505-C-T.
Other names: short protein forms R154Q.
Identifiers: ClinVar variation 1506194 (VCV001506194.8), dbSNP rs778404827, ClinGen allele CA7866866.
Genomic context (GRCh38, chr16:3,608,504, plus strand): 5'-CTGGAAAGGTTTGGCGATGGTTCTTGCTGGTTACCCGTCTGGGTGTTTTGTGCTGTTTCC[C>T]GGAGCACAGGTGGATCTGGAGCAGAGGCAAGCACACCCCCCTCCCCATTCACAGAGTGGG-3'
Protein context (NP_115820.2, residues 144-164): LASAPDPPVL[Arg154Gln]ETAQNTQTGN